The following is an entry in ClinVar:

ClinVar aggregate classification (germline): Conflicting classifications of pathogenicity. Review status: criteria provided, conflicting classifications (1 of 4 stars). 3 submissions from 3 submitters: Pathogenic (1); Likely pathogenic (1); Uncertain significance (1). Last evaluated 2025-10-23.

Conditions:
Hereditary cancer-predisposing syndrome. Also called: Neoplastic Syndromes, Hereditary; Tumor predisposition; Hereditary Cancer Syndrome; Hereditary neoplastic syndrome. Identifiers: Orphanet 140162, MedGen C0027672, MeSH D009386, MONDO:0015356.
Familial cancer of breast. Also called: BREAST CANCER, FAMILIAL; Hereditary breast cancer; hereditary breast carcinoma. Identifiers: Orphanet 227535, MedGen C0346153, MONDO:0016419, OMIM 114480. Disease mechanism: loss of function.

gnomAD v4.1: 1 of 1,612,126 alleles (0.000062%); highest among the groups gnomAD compares: Admixed American, 0.0017%; no homozygotes.

Submissions (3):

Labcorp Genetics (formerly Invitae), Labcorp
Classification: Likely pathogenic for Familial cancer of breast. Last evaluated: 2025-10-23. Review status: criteria provided, single submitter. Criteria: Invitae Variant Classification Sherloc (09022015). Collection method: clinical testing. Allele origin: germline.
Comment: This sequence change replaces cysteine, which is neutral and slightly polar, with tryptophan, which is neutral and slightly polar, at codon 53 of the BARD1 protein (p.Cys53Trp). This variant is not present in population databases (gnomAD no frequency). This missense change has been observed in individual(s) with breast cancer (PMID: 29367421). It has also been observed to segregate with disease in related individuals. ClinVar contains an entry for this variant (Variation ID: 482813). An algorithm developed to predict the effect of missense changes on protein structure and function (PolyPhen-2) suggests that this variant is likely to be disruptive. Experimental studies have shown that this missense change affects BARD1 function (PMID: 26350354, 29367421). In summary, the currently available evidence indicates that the variant is pathogenic, but additional data are needed to prove that conclusively. Therefore, this variant has been classified as Likely Pathogenic.

Ambry Genetics
Classification: Uncertain significance for Hereditary cancer-predisposing syndrome. Last evaluated: 2025-09-02. Review status: criteria provided, single submitter. Criteria: Ambry Variant Classification Scheme 2023. Collection method: clinical testing. Allele origin: germline.
Comment: The p.C53W variant (also known as c.159T>G) is located in coding exon 2 of the BARD1 gene. The cysteine at codon 53 is replaced by tryptophan, an amino acid with highly dissimilar properties. This change occurs in the first base pair of coding exon 2. One study of homology-directed DNA repair assays demonstrated that this alteration has defective HDR function (Lee C et al. Hum. Mutat. 2015 Dec;36:1205-14). Another study identified this alteration in a cohort of families with breast cancer and demonstrated that this alteration is defective in its ability to ubiquitylate H2A on nucleosomes (Stewart MD et al. Proc. Natl. Acad. Sci. U.S.A. 2018 02;115:1316-1321). This amino acid position is highly conserved in available vertebrate species. In addition, this alteration is predicted to be deleterious by in silico analysis. Since supporting evidence is limited at this time, the clinical significance of this alteration remains unclear.

King Laboratory, University of Washington
Classification: Pathogenic for Familial cancer of breast. Last evaluated: 2017-12-23. Review status: criteria provided, single submitter. Criteria: ACMG Guidelines, 2015. Collection method: clinical testing. Allele origin: germline. Inheritance: Autosomal dominant inheritance. Affected: yes.
Comment: Cys53Trp alters a critical cysteine in the RING domain of BARD1. The residue is completely conserved as cysteine in all sequenced species. The mutation is absent from public databases and co-segregates with breast cancer in families. The mutation leads to loss of ubiquitylation of histone 2A on nucleosomes and to defective transcriptional regulation of genes of estrogen metabolism (Stewart 2018).

Literature cited by the submitters: PubMed 29367421 (cited by Labcorp Genetics (formerly Invitae), Labcorp and Ambry Genetics); PubMed 26350354 (cited by Labcorp Genetics (formerly Invitae), Labcorp and Ambry Genetics); PubMed 33471991 (cited by Ambry Genetics); DOI 10.1073/pnas.1715467115 (cited by King Laboratory, University of Washington).

NM_000465.4(BARD1):c.159T>G (p.Cys53Trp)

Gene: BARD1 (BRCA1 associated RING domain 1; minus strand). Cytogenetic location: 2q35.
Variant type: single nucleotide variant.
Coding change: c.159T>G on transcript NM_000465.4 (MANE Select); coding-DNA position 159, T replaced by G.
Protein change: p.Cys53Trp; replaces cysteine 53 with tryptophan.
Molecular consequence: missense variant. On other transcripts: non-coding transcript variant (2), intron variant (2).
Genome position (GRCh38, 1-based): chr2:214,797,117, A>C on the plus strand (T>G on the coding strand, the complement: BARD1 is on the minus strand). VCF-style: chr2-214797117-A-C. GRCh37 (hg19) VCF-style: chr2-215661841-A-C.
Other names: c.159T>G, p.Cys53Trp (NM_001282545.2, NM_001282549.2); c.158+12295T>G (NM_001282548.2); c.159-4672T>G (NM_001282543.2); short protein forms C53W.
Identifiers: ClinVar variation 482813 (VCV000482813.17), dbSNP rs201708813, ClinGen allele CA350462334.